The following is an entry in ClinVar:

NM_001429.4(EP300):c.4384C>T (p.Arg1462Ter)

Gene: EP300 (EP300 lysine acetyltransferase; plus strand). Cytogenetic location: 22q13.2.
Variant type: single nucleotide variant.
Coding change: c.4384C>T on transcript NM_001429.4 (MANE Select); coding-DNA position 4384, C replaced by T.
Protein change: p.Arg1462Ter; replaces arginine 1462 with a stop codon.
Molecular consequence: nonsense.
Genome position (GRCh38, 1-based): chr22:41,170,503, C>T. VCF-style: chr22-41170503-C-T. GRCh37 (hg19) VCF-style: chr22-41566507-C-T.
Other names: NC_000022.10:g.41566507C>T; c.4306C>T, p.Arg1436Ter (NM_001362843.2); c.4384C>T (NM_001429.3); short protein forms R1462*, R1436*.
Identifiers: ClinVar variation 4459051 (VCV004459051.4).

ClinVar aggregate classification (germline): Pathogenic. Review status: criteria provided, multiple submitters, no conflicts (2 of 4 stars). 3 submissions from 3 submitters: Pathogenic (3). Last evaluated 2025-12-10.

Conditions:
Rubinstein-Taybi syndrome due to EP300 haploinsufficiency. Also called: RUBINSTEIN-TAYBI SYNDROME 2; EP300-Related Rubinstein-Taybi Syndrome. Identifiers: Orphanet 353284, Orphanet 783, MedGen C3150941, MONDO:0013364, OMIM 613684.
EP300-related disorder. Also called: EP300-related condition; EP300-related disorders.

Submissions (4):

3billion
Classification: Pathogenic for Rubinstein-Taybi syndrome due to EP300 haploinsufficiency. Last evaluated: 2025-12-10. Review status: criteria provided, single submitter. Criteria: ACMG Guidelines, 2015. Collection method: clinical testing. Allele origin: germline. Affected: yes.
Comment: The variant is not observed in the gnomAD v4.1.0 dataset. Predicted Consequence/Location: Stop-gained (nonsense): predicted to result in a loss or disruption of normal protein function through nonsense-mediated decay (NMD) or protein truncation. Multiple pathogenic variants are reported downstream of the variant. The variant has been reported to be associated with EP300-related disorder (PMID: 34427995 /3billion dataset). Therefore, this variant is classified as Pathogenic according to the recommendation of ACMG/AMP guideline.

GeneDx
Classification: Pathogenic. Last evaluated: 2025-07-03. Review status: criteria provided, single submitter. Criteria: GeneDx Variant Classification Process June 2021. Collection method: clinical testing. Allele origin: germline. Affected: yes.
Comment: Identified in a cohort of patients clinically diagnosed with RubinsteinTaybi syndrome (PMID: 34427995); Nonsense variant predicted to result in protein truncation or nonsense mediated decay in a gene for which loss of function is a known mechanism of disease; Not observed at significant frequency in large population cohorts (gnomAD); This variant is associated with the following publications: (PMID: 35616356, 34427995)

Blueprint Genetics
Classification: Pathogenic for EP300-related disorders. Last evaluated: 2023-05-08. Review status: criteria provided, single submitter. Criteria: ACMG Guidelines, 2015. Collection method: clinical testing. Allele origin: germline. Affected: yes. Observed: 1 variant allele.

Dr. Peter K. Rogan Lab, Western University
No classification provided (evidence only). Condition: Malignant tumor of esophagus. Review status: no classification provided. Collection method: in vitro. Allele origin: not applicable. Functional consequence: retained intron. Not counted in ClinVar's aggregate classification.

Literature cited by the submitters: PubMed 34427995 (cited by 3billion).